The following is an entry in ClinVar:

NM_001365276.2(TNXB):c.-2G>T

Gene: TNXB (tenascin XB; minus strand). Cytogenetic location: 6p21.33.
Variant type: single nucleotide variant.
Coding change: c.-2G>T on transcript NM_001365276.2 (MANE Select); 2 bases upstream of the start codon, G replaced by T.
Molecular consequence: 5 prime UTR variant.
Genome position (GRCh38, 1-based): chr6:32,098,200, C>A on the plus strand (G>T on the coding strand, the complement: TNXB is on the minus strand). VCF-style: chr6-32098200-C-A. GRCh37 (hg19) VCF-style: chr6-32065977-C-A.
Other names: c.-2G>T (NM_001428335.1, NM_019105.8).
Identifiers: ClinVar variation 3459758 (VCV003459758.1).
Genomic context (GRCh38, chr6:32,098,200, plus strand): 5'-GTGCTCAGCAGCACCAGGAGAACCAGGCTGGAGGTTAGAGCATACTGGGCTGGCATCATT[C>A]AGGAGGCTGCAGGGAGAAAGGGTAGGTATGAGAGCAGCTTCAAAAAGGAGACAAAATGAA-3'

ClinVar aggregate classification (germline): Uncertain significance (1 of 4 stars; one submission).

Conditions:
Cardiovascular phenotype. Identifiers: MedGen CN230736.

Submission:

Ambry Genetics
Classification: Uncertain significance for Cardiovascular phenotype. Last evaluated: 2024-08-06. Review status: criteria provided, single submitter. Criteria: Ambry Variant Classification Scheme 2023. Collection method: clinical testing. Allele origin: germline.
Comment: The c.-2G>T variant is located in the 5' untranslated region (5&rsquo; UTR) of the TNXB gene. This variant results from a G to T substitution 2 bases upstream from the first translated codon. This nucleotide position is highly conserved in available vertebrate species. Based on the available evidence, the clinical significance of this variant remains unclear.